The following is an entry in ClinVar:

NM_002109.6(HARS1):c.729+3A>G

Gene: HARS1 (histidyl-tRNA synthetase 1; minus strand). Cytogenetic location: 5q31.3.
Variant type: single nucleotide variant.
Coding change: c.729+3A>G on transcript NM_002109.6 (MANE Select); 3 bases into the intron after coding-DNA position 729, A replaced by G.
Molecular consequence: intron variant.
Genome position (GRCh38, 1-based): chr5:140,677,652, T>C on the plus strand (A>G on the coding strand, the complement: HARS1 is on the minus strand). VCF-style: chr5-140677652-T-C. GRCh37 (hg19) VCF-style: chr5-140057237-T-C.
Other names: c.642+3A>G (NM_001289094.2); c.387+3A>G (NM_001289093.2); c.549+3A>G (NM_001258042.3); c.609+3A>G (NM_001258040.3); c.507+3A>G (NM_001289092.2); c.669+3A>G (NM_001258041.3).
Identifiers: ClinVar variation 472994 (VCV000472994.8), dbSNP rs938453967, ClinGen allele CA128377465.

ClinVar aggregate classification (germline): Uncertain significance (1 of 4 stars; one submission).

Conditions:
Usher syndrome type 3B. Also called: USHER SYNDROME, TYPE IIIB. Identifiers: MedGen C3281066, MONDO:0013788, OMIM 614504.

Allele frequency attached by ClinVar (database versions not stated): gnomAD exomes below 0.00001; TOPMed below 0.00001; gnomAD 0.00001.
gnomAD v4.1: 3 of 1,595,836 alleles (0.00019%); highest among the groups gnomAD compares: Non-Finnish European, 0.00026%; no homozygotes.

Submission:

Labcorp Genetics (formerly Invitae), Labcorp
Classification: Uncertain significance for Usher syndrome type 3B. Last evaluated: 2024-04-29. Review status: criteria provided, single submitter. Criteria: Invitae Variant Classification Sherloc (09022015). Collection method: clinical testing. Allele origin: germline.
Comment: This sequence change falls in intron 7 of the HARS gene. It does not directly change the encoded amino acid sequence of the HARS protein. It affects a nucleotide within the consensus splice site. This variant is not present in population databases (gnomAD no frequency). This variant has not been reported in the literature in individuals affected with HARS-related conditions. ClinVar contains an entry for this variant (Variation ID: 472994). Variants that disrupt the consensus splice site are a relatively common cause of aberrant splicing (PMID: 17576681, 9536098). Algorithms developed to predict the effect of sequence changes on RNA splicing suggest that this variant is not likely to affect RNA splicing. In summary, the available evidence is currently insufficient to determine the role of this variant in disease. Therefore, it has been classified as a Variant of Uncertain Significance.

Literature cited by the submitters: PubMed 17576681; PubMed 9536098.